The following is an entry in ClinVar:

ClinVar aggregate classification (germline): Uncertain significance (1 of 4 stars; one submission).

Conditions:
Tuberous sclerosis 1 (TSC1). Identifiers: Orphanet 805, MedGen C1854465, MONDO:0008612, OMIM 191100.

Submission:

Labcorp Genetics (formerly Invitae), Labcorp
Classification: Uncertain significance for Tuberous sclerosis 1. Last evaluated: 2025-12-28. Review status: criteria provided, single submitter. Criteria: Invitae Variant Classification Sherloc (09022015). Collection method: clinical testing. Allele origin: germline.
Comment: This sequence change falls in intron 11 of the TSC1 gene. It does not directly change the encoded amino acid sequence of the TSC1 protein. This variant is not present in population databases (gnomAD no frequency). This variant has not been reported in the literature in individuals affected with TSC1-related conditions. ClinVar contains an entry for this variant (Variation ID: 2789985). Algorithms developed to predict the effect of sequence changes on RNA splicing suggest that this variant may disrupt the consensus splice site. In summary, the available evidence is currently insufficient to determine the role of this variant in disease. Therefore, it has been classified as a Variant of Uncertain Significance.

NM_000368.5(TSC1):c.1141+7A>C

Gene: TSC1 (TSC complex subunit 1; minus strand). Cytogenetic location: 9q34.13.
Variant type: single nucleotide variant.
Coding change: c.1141+7A>C on transcript NM_000368.5 (MANE Select); 7 bases into the intron after coding-DNA position 1141, A replaced by C.
Molecular consequence: intron variant.
Genome position (GRCh38, 1-based): chr9:132,910,995, T>G on the plus strand (A>C on the coding strand, the complement: TSC1 is on the minus strand). VCF-style: chr9-132910995-T-G. GRCh37 (hg19) VCF-style: chr9-135786382-T-G.
Other names: c.778+7A>C (NM_001406620.1, NM_001406618.1, NM_001406625.1 and 10 more transcripts); c.988+7A>C (NM_001406613.1, NM_001406612.1, NM_001406610.1 and 2 more transcripts); c.190+7A>C (NM_001406627.1, NM_001406628.1, NM_001406626.1); c.91+7A>C (NM_001406629.1, NM_001406630.1); c.1141+7A>C (NM_001406603.1, NM_001406609.1, NM_001406597.1 and 16 more transcripts).
Identifiers: ClinVar variation 2789985 (VCV002789985.3), dbSNP rs2131955926, ClinGen allele CA2739264814.